The following is an entry in ClinVar:

ClinVar aggregate classification (germline): Pathogenic (1 of 4 stars; one submission).

Submission:

GeneDx
Classification: Pathogenic. Last evaluated: 2017-10-17. Review status: criteria provided, single submitter. Criteria: GeneDx Variant Classification (06012015). Collection method: clinical testing. Allele origin: germline. Affected: yes.
Comment: The c.3096delC variant in the ANKRD11 gene has not been reported previously as a pathogenic variant nor as a benign variant, to our knowledge. The c.3096delC variant causes a frameshift starting with codon Serine 1033, changes this amino acid to a Valine residue, and creates a premature Stop codon at position 285 of the new reading frame, denoted p.Ser1033ValfsX285. This variant is predicted to cause loss of normal protein function either through protein truncation or nonsense-mediated mRNA decay. The c.3096delC variant is not observed in large population cohorts (Lek et al., 2016).

NM_013275.6(ANKRD11):c.3096del (p.Ser1033fs)

Gene: ANKRD11 (ankyrin repeat domain containing 11; minus strand). Cytogenetic location: 16q24.3.
Variant type: Deletion.
Coding change: c.3096del on transcript NM_013275.6 (MANE Select); coding-DNA position 3096, one base deleted (C; older notation c.3096delC).
Protein change: p.Ser1033fs; shifts the reading frame from serine 1033.
Molecular consequence: frameshift variant.
Genome position (GRCh38, 1-based): chr16:89,283,446, G deleted on the plus strand (C on the coding strand, the reverse complement: ANKRD11 is on the minus strand); the first of 2 consecutive G bases (chr16:89,283,446-89,283,447); deleting either gives the same sequence. VCF-style (leftmost placement, unchanged base first): chr16-89283445-TG-T. GRCh37 (hg19) VCF-style: chr16-89349853-TG-T.
Other names: c.3096del, p.Ser1033fs (NM_001256182.2, NM_001256183.2); short protein forms S1033fs.
Identifiers: ClinVar variation 452988 (VCV000452988.2), dbSNP rs1555528717, ClinGen allele CA658658513.